The following is an entry in ClinVar:

NM_000038.6(APC):c.3872del (p.Gln1291fs)

Gene: APC (APC regulator of Wnt signaling pathway; plus strand). Cytogenetic location: 5q22.2.
Variant type: Deletion.
Coding change: c.3872del on transcript NM_000038.6 (MANE Select); coding-DNA position 3872, one base deleted (A; older notation c.3872delA).
Protein change: p.Gln1291fs; shifts the reading frame from glutamine 1291.
Molecular consequence: frameshift variant. On other transcripts: non-coding transcript variant (2).
Genome position (GRCh38, 1-based): chr5:112,839,466, A deleted. VCF-style (leftmost placement, unchanged base first): chr5-112839465-CA-C. GRCh37 (hg19) VCF-style: chr5-112175162-CA-C.
Other names: c.3872del, p.Gln1291fs (NM_001127510.3, NM_001354895.2, NM_001407450.1); c.3818del, p.Gln1273fs (NM_001127511.3); c.3926del, p.Gln1309fs (NM_001354896.2, NM_001407447.1, NM_001407448.1 and 1 more transcripts); c.3902del, p.Gln1301fs (NM_001354897.2); c.3797del, p.Gln1266fs (NM_001354898.2); c.3788del, p.Gln1263fs (NM_001354899.2); c.3749del, p.Gln1250fs (NM_001354900.2); c.3695del, p.Gln1232fs (NM_001354901.2, NM_001407453.1); and 11 more; short protein forms Q1008fs, Q1131fs, Q1162fs, Q1165fs, Q1190fs, Q1200fs, Q1208fs, Q1232fs.
Identifiers: ClinVar variation 2583931 (VCV002583931.6), dbSNP rs2533530626, ClinGen allele CA2582341539.

ClinVar aggregate classification (germline): Pathogenic. Review status: criteria provided, multiple submitters, no conflicts (2 of 4 stars). 3 submissions from 3 submitters: Pathogenic (3). Last evaluated 2023-07-10.

Conditions:
Familial adenomatous polyposis 1 (FAP1). Also called: FAMILIAL ADENOMATOUS POLYPOSIS 1, ATTENUATED; POLYPOSIS, ADENOMATOUS INTESTINAL. Identifiers: MedGen C2713442, MONDO:0021056, OMIM 175100. Disease mechanism: loss of function.
Classic or attenuated familial adenomatous polyposis. Identifiers: MedGen CN372698, MONDO:0021057.

Submissions (3):

All of Us Research Program, National Institutes of Health
Classification: Pathogenic for Classic or attenuated familial adenomatous polyposis. Last evaluated: 2023-07-10. Review status: criteria provided, single submitter. Criteria: ACMG Guidelines, 2015. Collection method: clinical testing. Allele origin: germline. Inheritance: Autosomal dominant inheritance. Observed: 1 variant allele, 1 heterozygote.
Comment: This variant changes 1 nucleotide in exon 16 of the APC gene, creating a frameshift and premature translation stop signal in the last coding exon. This variant is predicted to escape nonsense-mediated decay and be expressed as a truncated protein. Although functional studies have not been reported, this variant is expected to disrupt nuclear localization signal domains, beta-Catenin-, EB1-, and HDLG-binding sites (PMID: 17881494). To our knowledge, this variant has not been reported in individuals affected with hereditary cancer in the literature. This variant has not been identified in the general population by the Genome Aggregation Database (gnomAD). Loss of APC function is a known mechanism of disease. Based on the available evidence, this variant is classified as Pathogenic.

This study involves interpretation of variants in research participants for the purpose of population health screening. Participant phenotype was not available at the time of variant classification. Additional details can be found in publication PMID: 35346344, PMCID: PMC8962531

Myriad Genetics, Inc.
Classification: Pathogenic for Familial adenomatous polyposis 1. Last evaluated: 2023-05-09. Review status: criteria provided, single submitter. Criteria: Myriad Autosomal Dominant, Autosomal Recessive and X-Linked Classification Criteria (2023). Collection method: clinical testing. Allele origin: unknown.
Comment: This variant is considered pathogenic. This variant creates a frameshift predicted to result in premature protein truncation.

Labcorp Genetics (formerly Invitae), Labcorp
Classification: Pathogenic for Familial adenomatous polyposis 1. Last evaluated: 2023-03-16. Review status: criteria provided, single submitter. Criteria: Invitae Variant Classification Sherloc (09022015). Collection method: clinical testing. Allele origin: germline.
Comment: This sequence change creates a premature translational stop signal (p.Gln1291Argfs*14) in the APC gene. While this is not anticipated to result in nonsense mediated decay, it is expected to disrupt the last 1553 amino acid(s) of the APC protein. This variant is not present in population databases (gnomAD no frequency). This variant has not been reported in the literature in individuals affected with APC-related conditions. This variant is expected to disrupt the EB1 and HDLG binding sites, which mediate interactions with the cytoskeleton (PMID: 15311282, 17293347). While functional studies have not been performed to directly test the effect on APC protein function, this suggests that disruption of the C-terminal portion of the protein is functionally important. A different truncation (p.Tyr2645Lysfs*14) that lies downstream of this variant has been determined to be pathogenic (PMID: 9824584, 1316610, 27081525, 8381579, 22135120, Invitae). This suggests that deletion of this region of the APC protein is causative of disease. For these reasons, this variant has been classified as Pathogenic.

Literature cited by the submitters: PubMed 17881494 (cited by All of Us Research Program, National Institutes of Health); PubMed 15311282 (cited by Labcorp Genetics (formerly Invitae), Labcorp); PubMed 17293347 (cited by Labcorp Genetics (formerly Invitae), Labcorp); PubMed 9824584 (cited by Labcorp Genetics (formerly Invitae), Labcorp); PubMed 1316610 (cited by Labcorp Genetics (formerly Invitae), Labcorp); PubMed 27081525 (cited by Labcorp Genetics (formerly Invitae), Labcorp); PubMed 8381579 (cited by Labcorp Genetics (formerly Invitae), Labcorp); PubMed 22135120 (cited by Labcorp Genetics (formerly Invitae), Labcorp).